The following is an entry in ClinVar:

NM_006231.4(POLE):c.1247A>G (p.Tyr416Cys)

Gene: POLE (DNA polymerase epsilon, catalytic subunit; minus strand). Cytogenetic location: 12q24.33.
Variant type: single nucleotide variant.
Coding change: c.1247A>G on transcript NM_006231.4 (MANE Select); coding-DNA position 1247, A replaced by G.
Protein change: p.Tyr416Cys; replaces tyrosine 416 with cysteine.
Molecular consequence: missense variant.
Genome position (GRCh38, 1-based): chr12:132,673,687, T>C on the plus strand (A>G on the coding strand, the complement: POLE is on the minus strand). VCF-style: chr12-132673687-T-C. GRCh37 (hg19) VCF-style: chr12-133250273-T-C.
Other names: short protein forms Y416C.
Identifiers: ClinVar variation 1759737 (VCV001759737.2), dbSNP rs769440679, ClinGen allele CA6894022.

ClinVar aggregate classification (germline): Uncertain significance (1 of 4 stars; one submission).

Conditions:
Hereditary cancer-predisposing syndrome. Also called: Neoplastic Syndromes, Hereditary; Tumor predisposition; Hereditary Cancer Syndrome; Hereditary neoplastic syndrome. Identifiers: Orphanet 140162, MedGen C0027672, MeSH D009386, MONDO:0015356.

Allele frequency attached by ClinVar (database versions not stated): ExAC 0.00001.

Submission:

Ambry Genetics
Classification: Uncertain significance for Hereditary cancer-predisposing syndrome. Last evaluated: 2022-01-11. Review status: criteria provided, single submitter. Criteria: Ambry Variant Classification Scheme 2023. Collection method: clinical testing. Allele origin: germline.
Comment: The p.Y416C variant (also known as c.1247A>G), located in coding exon 13 of the POLE gene, results from an A to G substitution at nucleotide position 1247. The tyrosine at codon 416 is replaced by cysteine, an amino acid with highly dissimilar properties. This amino acid position is conserved. In addition, this alteration is predicted to be deleterious by in silico analysis. Since supporting evidence is limited at this time, the clinical significance of this alteration remains unclear.